The following is an entry in ClinVar:

NM_005228.5(EGFR):c.2035C>A (p.Leu679Met)

Gene: EGFR (epidermal growth factor receptor; plus strand). Cytogenetic location: 7p11.2.
Variant type: single nucleotide variant.
Coding change: c.2035C>A on transcript NM_005228.5 (MANE Select); coding-DNA position 2035, C replaced by A.
Protein change: p.Leu679Met; replaces leucine 679 with methionine.
Molecular consequence: missense variant.
Genome position (GRCh38, 1-based): chr7:55,173,098, C>A. VCF-style: chr7-55173098-C-A. GRCh37 (hg19) VCF-style: chr7-55240791-C-A.
Other names: c.1900C>A, p.Leu634Met (NM_001346897.2, NM_001346899.2); c.2035C>A, p.Leu679Met (NM_001346898.2); c.1876C>A, p.Leu626Met (NM_001346900.2); c.1234C>A, p.Leu412Met (NM_001346941.2); short protein forms L679M, L634M, L412M, L626M.
Identifiers: ClinVar variation 4247344 (VCV004247344.1).
Genomic context (GRCh38, chr7:55,173,098, plus strand): 5'-GTGGTGGCCCTGGGGATCGGCCTCTTCATGCGAAGGCGCCACATCGTTCGGAAGCGCACG[C>A]TGCGGAGGCTGCTGCAGGAGAGGGAGGTGAGTGCCAGTCCTGGGTGGGCTCAGGAGCCCT-3'
Protein context (NP_005219.2, residues 669-689): RRRHIVRKRT[Leu679Met]RRLLQERELV

ClinVar aggregate classification (germline): Uncertain significance (1 of 4 stars; one submission).

Conditions:
Hereditary cancer-predisposing syndrome. Also called: Hereditary Cancer Syndrome; Hereditary neoplastic syndrome; Neoplastic Syndromes, Hereditary; Tumor predisposition. Identifiers: Orphanet 140162, MedGen C0027672, MeSH D009386, MONDO:0015356.

Submission:

Ambry Genetics
Classification: Uncertain significance for Hereditary cancer-predisposing syndrome. Last evaluated: 2025-08-09. Review status: criteria provided, single submitter. Criteria: Ambry Variant Classification Scheme 2023. Collection method: clinical testing. Allele origin: germline.
Comment: The p.L679M variant (also known as c.2035C>A), located in coding exon 17 of the EGFR gene, results from a C to A substitution at nucleotide position 2035. The leucine at codon 679 is replaced by methionine, an amino acid with highly similar properties. This amino acid position is conserved. In addition, this alteration is predicted to be tolerated by in silico analysis. Based on the available evidence, the clinical significance of this variant remains unclear.